The following is an entry in ClinVar:

NM_152281.3(GORAB):c.976A>T (p.Asn326Tyr)

Gene: GORAB (golgin, RAB6 interacting; plus strand). Cytogenetic location: 1q24.2.
Variant type: single nucleotide variant.
Coding change: c.976A>T on transcript NM_152281.3 (MANE Select); coding-DNA position 976, A replaced by T.
Protein change: p.Asn326Tyr; replaces asparagine 326 with tyrosine.
Molecular consequence: missense variant. On other transcripts: non-coding transcript variant (1).
Genome position (GRCh38, 1-based): chr1:170,552,328, A>T. VCF-style: chr1-170552328-A-T. GRCh37 (hg19) VCF-style: chr1-170521469-A-T.
Other names: c.511A>T, p.Asn171Tyr (NM_001320252.2); c.925A>T, p.Asn309Tyr (NM_001410894.1); short protein forms N171Y, N326Y, N309Y.
Identifiers: ClinVar variation 2119913 (VCV002119913.4), dbSNP rs2525972221, ClinGen allele CA343165278.

ClinVar aggregate classification (germline): Uncertain significance (1 of 4 stars; one submission).

Submission:

Labcorp Genetics (formerly Invitae), Labcorp
Classification: Uncertain significance. Last evaluated: 2022-08-15. Review status: criteria provided, single submitter. Criteria: Invitae Variant Classification Sherloc (09022015). Collection method: clinical testing. Allele origin: germline.
Comment: In summary, the available evidence is currently insufficient to determine the role of this variant in disease. Therefore, it has been classified as a Variant of Uncertain Significance. Algorithms developed to predict the effect of missense changes on protein structure and function are either unavailable or do not agree on the potential impact of this missense change (SIFT: "Deleterious"; PolyPhen-2: "Probably Damaging"; Align-GVGD: "Class C0"). This variant has not been reported in the literature in individuals affected with GORAB-related conditions. This variant is not present in population databases (gnomAD no frequency). This sequence change replaces asparagine, which is neutral and polar, with tyrosine, which is neutral and polar, at codon 351 of the GORAB protein (p.Asn351Tyr).